The following is an entry in ClinVar:

ClinVar aggregate classification (germline): Uncertain significance (1 of 4 stars; one submission).

Conditions:
Aortic aneurysm, familial thoracic 7 (AAT7). Also called: AORTIC DISSECTION, FAMILIAL, WITH OR WITHOUT AORTIC ANEURYSM. Identifiers: MedGen C3151077, MONDO:0013418, OMIM 613780.

gnomAD v4.1: 1 of 1,603,268 alleles (0.000062%); highest among the groups gnomAD compares: Non-Finnish European, 0.000085%; no homozygotes.

Submission:

Labcorp Genetics (formerly Invitae), Labcorp
Classification: Uncertain significance for Aortic aneurysm, familial thoracic 7. Last evaluated: 2026-01-04. Review status: criteria provided, single submitter. Criteria: Invitae Variant Classification Sherloc (09022015). Collection method: clinical testing. Allele origin: germline.
Comment: This sequence change affects codon 821 of the MYLK mRNA. It is a 'silent' change, meaning that it does not change the encoded amino acid sequence of the MYLK protein. It affects a nucleotide within the consensus splice site. This variant is present in population databases (no rsID available, gnomAD 0.0009%). This variant has not been reported in the literature in individuals affected with MYLK-related conditions. Algorithms developed to predict the effect of sequence changes on RNA splicing suggest that this variant is not likely to affect RNA splicing. In summary, the available evidence is currently insufficient to determine the role of this variant in disease. Therefore, it has been classified as a Variant of Uncertain Significance.

NM_053025.4(MYLK):c.2463G>C (p.Arg821=)

Gene: MYLK (myosin light chain kinase; minus strand). Cytogenetic location: 3q21.1.
Variant type: single nucleotide variant.
Coding change: c.2463G>C on transcript NM_053025.4 (MANE Select); coding-DNA position 2463, G replaced by C.
Protein change: p.Arg821=; no amino-acid change (arginine 821 retained).
Molecular consequence: synonymous variant.
Genome position (GRCh38, 1-based): chr3:123,701,005, C>G on the plus strand (G>C on the coding strand, the complement: MYLK is on the minus strand). VCF-style: chr3-123701005-C-G. GRCh37 (hg19) VCF-style: chr3-123419852-C-G.
Other names: c.1935G>C, p.Arg645= (NM_001321309.2); c.2256G>C, p.Arg752= (NM_053026.4, NM_053028.4); c.2463G>C, p.Arg821= (NM_053027.4).
Identifiers: ClinVar variation 4778510 (VCV004778510.1).